The following is an entry in ClinVar:

ClinVar aggregate classification (germline): Pathogenic (1 of 4 stars; one submission).

Conditions:
Cone-rod dystrophy 2 (CORD2). Also called: CONE-ROD RETINAL DYSTROPHY; Cone-rod retinal dystrophy 2. Identifiers: Orphanet 1872, MedGen C3489532, MONDO:0007362, OMIM 120970.
Leber congenital amaurosis 7 (LCA7). Identifiers: Orphanet 65, MedGen C3151192, MONDO:0013449, OMIM 613829.

Submission:

Labcorp Genetics (formerly Invitae), Labcorp
Classification: Pathogenic for Cone-rod dystrophy 2; Leber congenital amaurosis 7. Last evaluated: 2023-12-31. Review status: criteria provided, single submitter. Criteria: Invitae Variant Classification Sherloc (09022015). Collection method: clinical testing. Allele origin: germline.
Comment: A gross deletion of the genomic region encompassing the full coding sequence of the CRX gene has been identified. Loss-of-function variants in CRX are known to be pathogenic (PMID: 27208204, 31626798, 35934205). The boundaries of this event are unknown as they extend beyond the assayed region for this gene and therefore may encompass additional genes. A similar copy number variant has been observed in individuals with cone rod dystrophy (PMID: 29568065, 30557390; Invitae). For these reasons, this variant has been classified as Pathogenic.

Literature cited by the submitters: PubMed 27208204; PubMed 31626798; PubMed 35934205; PubMed 29568065; PubMed 30557390.

NC_000019.9:g.(?_48337701)_(48343224_?)del

Gene: CRX (cone-rod homeobox; plus strand). Cytogenetic location: 19q13.33.
Variant type: Deletion.
Identifiers: ClinVar variation 1046426 (VCV001046426.6).